The following is an entry in ClinVar:

NC_012920.1(MT-TY):m.5841T>C

Gene: MT-TY (mitochondrially encoded tRNA tyrosine; minus strand).
Variant type: single nucleotide variant.
Genome position: chrM-5841-T-C.
Identifiers: ClinVar variation 690014 (VCV000690014.1), dbSNP rs1603220150, ClinGen allele CA913180629.

ClinVar aggregate classification (germline): Uncertain significance (1 of 4 stars; one submission).

Conditions:
MELAS syndrome (MELAS). Also called: Juvenile myopathy, encephalopathy, lactic acidosis, stroke. Identifiers: Orphanet 550, MedGen C0162671, MONDO:0010789, OMIM 540000.

Submission:

Wong Mito Lab, Molecular and Human Genetics, Baylor College of Medicine
Classification: Uncertain significance for MELAS syndrome. Last evaluated: 2019-07-12. Review status: criteria provided, single submitter. Criteria: Modified ACMG Guidelines (Unpublished). Collection method: clinical testing. Allele origin: germline.
Comment: The NC_012920.1:m.5841T>C variant in MT-TY gene is interpreted to be a Unknown Significance variant based on the modified ACMG guidelines (unpublished). This variant meets the following evidence codes reported in the guidelines: PP6, PP7, BP4

Literature cited by the submitters: PubMed 31965079.